The following is an entry in ClinVar:

ClinVar aggregate classification (germline): Conflicting classifications of pathogenicity. Review status: criteria provided, conflicting classifications (1 of 4 stars). 11 submissions from 10 submitters: Uncertain significance (1); Benign (5); Likely benign (5). Last evaluated 2026-06-01.

Conditions:
Cardiovascular phenotype. Identifiers: MedGen CN230736.
Hypercholesterolemia, autosomal dominant, type B (FHCL2). Also called: APOB-Related Familial Hypercholesterolemia, Autosomal Dominant; Familial Hypercholesterolemia Type B; Familial hypercholesterolemia 2; Hyperlipoproteinemia Type IIb; APOLIPOPROTEIN B-100, FAMILIAL DEFECTIVE; APOLIPOPROTEIN B-100, FAMILIAL LIGAND-DEFECTIVE. Identifiers: MedGen C1704417, MONDO:0007751, OMIM 144010.
Familial hypobetalipoproteinemia 1. Also called: APOB-Related Familial Hypobetalipoproteinemia; Hypobetalipoproteinemia, normotriglyceridemic; Acanthocytosis with hypobetalipoproteinemia. Identifiers: MedGen C4551990, MONDO:0014252, OMIM 615558.
Familial hypercholesterolemia. Also called: Familial hypercholesterolaemia; Familial hypercholesterolemias. Identifiers: MedGen C0020445, MONDO:0005439.
Hypercholesterolemia, familial, 1. Also called: LDL RECEPTOR DISORDER; Hyperlipoproteinemia Type IIa; HYPER-LOW-DENSITY-LIPOPROTEINEMIA; HYPERCHOLESTEROLEMIC XANTHOMATOSIS, FAMILIAL; Fredrickson type IIa hyperlipoproteinemia; Hyperlipoproteinemia type 2. Identifiers: Orphanet 391665, MedGen C0745103, MONDO:0007750, OMIM 143890.

Allele frequency attached by ClinVar (database versions not stated): gnomAD exomes 0.00088; ExAC 0.00114; 1000 Genomes Project 0.00359; 1000 Genomes Project 30x 0.00359; gnomAD 0.00366; TOPMed 0.00392; ESP Exome Variant Server 0.00507.
gnomAD v4.1: 1,144 of 1,614,042 alleles (0.071%); highest among the groups gnomAD compares: African/African-American, 1.4%; 6 homozygotes.

Submissions (11):

CeGaT Center for Human Genetics Tuebingen
Classification: Likely benign. Last evaluated: 2026-06-01. Review status: criteria provided, single submitter. Criteria: CeGaT Center For Human Genetics Tuebingen Variant Classification Criteria Version 2. Collection method: clinical testing. Allele origin: germline. Affected: yes. Observed: 3 variant alleles.
Comment: APOB: BP4, BP7, BS1

Labcorp Genetics (formerly Invitae), Labcorp
Classification: Benign for Familial hypobetalipoproteinemia 1; Hypercholesterolemia, autosomal dominant, type B. Last evaluated: 2026-02-03. Review status: criteria provided, single submitter. Criteria: Invitae Variant Classification Sherloc (09022015). Collection method: clinical testing. Allele origin: germline.

ARUP Laboratories, Molecular Genetics and Genomics, ARUP Laboratories
Classification: Benign. Last evaluated: 2025-07-09. Review status: criteria provided, single submitter. Criteria: ARUP Molecular Germline Variant Investigation Process 2024. Collection method: clinical testing. Allele origin: germline.

Blueprint Genetics
Classification: Likely benign. Last evaluated: 2024-08-06. Review status: criteria provided, single submitter. Criteria: ACMG Guidelines, 2015. Collection method: clinical testing. Allele origin: germline.

GENinCode PLC
Classification: Benign for Familial hypercholesterolemia. Last evaluated: 2023-10-20. Review status: criteria provided, single submitter. Criteria: ACMG Guidelines, 2015. Collection method: clinical testing. Allele origin: germline.

GeneDx
Classification: Likely benign. Last evaluated: 2021-04-28. Review status: criteria provided, single submitter. Criteria: GeneDx Variant Classification Process June 2021. Collection method: clinical testing. Allele origin: germline. Affected: yes.

Quest Diagnostics Nichols Institute San Juan Capistrano
Classification: Benign. Last evaluated: 2018-06-29. Review status: criteria provided, single submitter. Criteria: Quest Diagnostics criteria. Collection method: clinical testing. Allele origin: germline.

Illumina Laboratory Services, Illumina
Classification: Likely benign for Hypercholesterolemia, autosomal dominant, type B. Last evaluated: 2018-01-13. Review status: criteria provided, single submitter. Criteria: ICSL Variant Classification Criteria 13 December 2019. Collection method: clinical testing. Allele origin: germline.
Comment: This variant was observed in the ICSL laboratory as part of a predisposition screen in an ostensibly healthy population. It had not been previously curated by ICSL or reported in the Human Gene Mutation Database (HGMD: prior to June 1st, 2018), and was therefore a candidate for classification through an automated scoring system. Utilizing variant allele frequency, disease prevalence and penetrance estimates, and inheritance mode, an automated score was calculated to assess if this variant is too frequent to cause the disease. Based on the score and internal cut-off values, a variant classified as likely benign is not then subjected to further curation. The score for this variant resulted in a classification of likely benign for this disease.

Illumina Laboratory Services, Illumina
Classification: Uncertain significance for Familial hypobetalipoproteinemia 1. Last evaluated: 2018-01-13. Review status: criteria provided, single submitter. Criteria: ICSL Variant Classification Criteria 13 December 2019. Collection method: clinical testing. Allele origin: germline.

Robarts Research Institute, Western University
Classification: Likely benign for Hypercholesterolemia, familial, 1. Last evaluated: 2018-01-02. Review status: criteria provided, single submitter. Criteria: ACMG Guidelines, 2015. Collection method: clinical testing. Allele origin: germline. Inheritance: Autosomal dominant inheritance. Affected: yes.

Ambry Genetics
Classification: Benign for Cardiovascular phenotype. Last evaluated: 2017-06-23. Review status: criteria provided, single submitter. Criteria: Ambry Variant Classification Scheme 2023. Collection method: clinical testing. Allele origin: germline.

NM_000384.3(APOB):c.6261C>A (p.Thr2087=)

Gene: APOB (apolipoprotein B; minus strand). Cytogenetic location: 2p24.1.
Variant type: single nucleotide variant.
Coding change: c.6261C>A on transcript NM_000384.3 (MANE Select); coding-DNA position 6261, C replaced by A.
Protein change: p.Thr2087=; no amino-acid change (threonine 2087 retained).
Molecular consequence: synonymous variant.
Genome position (GRCh38, 1-based): chr2:21,010,607, G>T on the plus strand (C>A on the coding strand, the complement: APOB is on the minus strand). VCF-style: chr2-21010607-G-T. GRCh37 (hg19) VCF-style: chr2-21233479-G-T.
Identifiers: ClinVar variation 477813 (VCV000477813.52), dbSNP rs61744855, ClinGen allele CA063048.